The following is an entry in ClinVar:

ClinVar aggregate classification (germline): Uncertain significance (1 of 4 stars; one submission).

gnomAD v4.1: 4 of 1,614,218 alleles (0.00025%); highest among the groups gnomAD compares: Non-Finnish European, 0.00034%; no homozygotes.

Submission:

Labcorp Genetics (formerly Invitae), Labcorp
Classification: Uncertain significance. Last evaluated: 2025-04-24. Review status: criteria provided, single submitter. Criteria: Invitae Variant Classification Sherloc (09022015). Collection method: clinical testing. Allele origin: germline.
Comment: This sequence change replaces glutamine, which is neutral and polar, with lysine, which is basic and polar, at codon 55 of the MAP3K8 protein (p.Gln55Lys). This variant is not present in population databases (gnomAD no frequency). This variant has not been reported in the literature in individuals affected with MAP3K8-related conditions. An algorithm developed to predict the effect of missense changes on protein structure and function (PolyPhen-2) suggests that this variant is likely to be tolerated. In summary, the available evidence is currently insufficient to determine the role of this variant in disease. Therefore, it has been classified as a Variant of Uncertain Significance.

NM_005204.4(MAP3K8):c.163C>A (p.Gln55Lys)

Gene: MAP3K8 (mitogen-activated protein kinase kinase kinase 8; plus strand). Cytogenetic location: 10p11.23.
Variant type: single nucleotide variant.
Coding change: c.163C>A on transcript NM_005204.4 (MANE Select); coding-DNA position 163, C replaced by A.
Protein change: p.Gln55Lys; replaces glutamine 55 with lysine.
Molecular consequence: missense variant.
Genome position (GRCh38, 1-based): chr10:30,439,101, C>A. VCF-style: chr10-30439101-C-A. GRCh37 (hg19) VCF-style: chr10-30728030-C-A.
Other names: c.163C>A, p.Gln55Lys (NM_001244134.1, NM_001320961.2); short protein forms Q55K.
Identifiers: ClinVar variation 4766385 (VCV004766385.1).